The following is an entry in ClinVar:

NM_001035.3(RYR2):c.3571G>T (p.Ala1191Ser)

Gene: RYR2 (ryanodine receptor 2; plus strand). Cytogenetic location: 1q43.
Variant type: single nucleotide variant.
Coding change: c.3571G>T on transcript NM_001035.3 (MANE Select); coding-DNA position 3571, G replaced by T.
Protein change: p.Ala1191Ser; replaces alanine 1191 with serine.
Molecular consequence: missense variant.
Genome position (GRCh38, 1-based): chr1:237,569,292, G>T. VCF-style: chr1-237569292-G-T. GRCh37 (hg19) VCF-style: chr1-237732592-G-T.
Other names: short protein forms A1191S.
Identifiers: ClinVar variation 3893981 (VCV003893981.1).

ClinVar aggregate classification (germline): Uncertain significance (1 of 4 stars; one submission).

Conditions:
Cardiomyopathy (CMYO). Also called: Cardiomyopathies. Identifiers: Orphanet 167848, MedGen C0878544, MONDO:0004994, HP:0001638. Inheritance: Various modes of inheritance.

Submission:

Color Diagnostics, LLC DBA Color Health
Classification: Uncertain significance for Cardiomyopathy. Last evaluated: 2024-06-30. Review status: criteria provided, single submitter. Criteria: ACMG Guidelines, 2015. Collection method: clinical testing. Allele origin: germline.
Comment: This missense variant replaces alanine with serine at codon 1191 of the RYR2 protein. Computational prediction suggests that this variant may not impact protein structure and function (internally defined REVEL score threshold <= 0.5, PMID: 27666373). To our knowledge, functional studies have not been reported for this variant. This variant has not been reported in individuals affected with RYR2-related disorders in the literature. This variant has not been identified in the general population by the Genome Aggregation Database (gnomAD). The available evidence is insufficient to determine the role of this variant in disease conclusively. Therefore, this variant is classified as a Variant of Uncertain Significance.